The following is an entry in ClinVar:

NM_015057.5(MYCBP2):c.6897A>T (p.Val2299=)

Gene: MYCBP2 (MYC binding protein 2; minus strand). Cytogenetic location: 13q22.3.
Variant type: single nucleotide variant.
Coding change: c.6897A>T on transcript NM_015057.5 (MANE Select); coding-DNA position 6897, A replaced by T.
Protein change: p.Val2299=; no amino-acid change (valine 2299 retained).
Molecular consequence: synonymous variant.
Genome position (GRCh38, 1-based): chr13:77,156,076, T>A on the plus strand (A>T on the coding strand, the complement: MYCBP2 is on the minus strand). VCF-style: chr13-77156076-T-A. GRCh37 (hg19) VCF-style: chr13-77730211-T-A.
Identifiers: ClinVar variation 3033628 (VCV003033628.2), dbSNP rs141604813, ClinGen allele CA7009103.

ClinVar aggregate classification (germline): Likely benign (0 of 4 stars; one submission).

Conditions:
MYCBP2-related disorder. Also called: MYCBP2-related condition.

Allele frequency attached by ClinVar (database versions not stated): ExAC 0.00004; gnomAD 0.00005; TOPMed 0.00005; ESP Exome Variant Server 0.00015; gnomAD exomes 0.00017.
gnomAD v4.1: 253 of 1,613,270 alleles (0.016%); highest among the groups gnomAD compares: Non-Finnish European, 0.021%; no homozygotes.

Submission:

PreventionGenetics, part of Exact Sciences
Classification: Likely benign for MYCBP2-related condition. Last evaluated: 2019-06-11. Review status: no assertion criteria provided. Collection method: clinical testing. Allele origin: germline.
Comment: This variant is classified as likely benign based on ACMG/AMP sequence variant interpretation guidelines (Richards et al. 2015 PMID: 25741868, with internal and published modifications).